The following is an entry in ClinVar:

ClinVar aggregate classification (germline): Benign. Review status: criteria provided, multiple submitters, no conflicts (2 of 4 stars). 7 submissions from 7 submitters: Benign (5). 2 of the submissions do not count toward it. Last evaluated 2026-02-04.

Conditions:
Acyl-CoA dehydrogenase 9 deficiency. Also called: Acyl-CoA dehydrogenase family, member 9, deficiency of; MITOCHONDRIAL COMPLEX I DEFICIENCY, NUCLEAR TYPE 20. Identifiers: Orphanet 99901, MedGen C4747517, MONDO:0012624, OMIM 611126.

Allele frequency attached by ClinVar (database versions not stated): gnomAD exomes 0.22972 and 0.25422; ESP Exome Variant Server 0.23443; gnomAD 0.24221 and 0.24635; ExAC 0.25331; TOPMed 0.25706; 1000 Genomes Project 30x 0.30262; 1000 Genomes Project 0.31030.
gnomAD v4.1: 373,815 of 1,613,688 alleles (23%); highest among the groups gnomAD compares: East Asian, 57%; 46,189 homozygotes.

Submissions (7):

Labcorp Genetics (formerly Invitae), Labcorp
Classification: Benign. Last evaluated: 2026-02-04. Review status: criteria provided, single submitter. Criteria: Invitae Variant Classification Sherloc (09022015). Collection method: clinical testing. Allele origin: germline.

Genome-Nilou Lab
Classification: Benign for Acyl-CoA dehydrogenase 9 deficiency. Last evaluated: 2021-07-10. Review status: criteria provided, single submitter. Criteria: ACMG Guidelines, 2015. Collection method: clinical testing. Allele origin: germline. Affected: no.

Illumina Laboratory Services, Illumina
Classification: Benign for Acyl-CoA dehydrogenase 9 deficiency. Last evaluated: 2018-01-13. Review status: criteria provided, single submitter. Criteria: ICSL Variant Classification Criteria 13 December 2019. Collection method: clinical testing. Allele origin: germline.
Comment: This variant was observed in the ICSL laboratory as part of a predisposition screen in an ostensibly healthy population. It had not been previously curated by ICSL or reported in the Human Gene Mutation Database (HGMD: prior to June 1st, 2018), and was therefore a candidate for classification through an automated scoring system. Utilizing variant allele frequency, disease prevalence and penetrance estimates, and inheritance mode, an automated score was calculated to assess if this variant is too frequent to cause the disease. Based on the score and internal cut-off values, a variant classified as benign is not then subjected to further curation. The score for this variant resulted in a classification of benign for this disease.

GeneDx
Classification: Benign. Last evaluated: 2015-03-03. Review status: criteria provided, single submitter. Criteria: GeneDx Variant Classification Process June 2021. Collection method: clinical testing. Allele origin: germline. Affected: yes.

Breakthrough Genomics
Classification: Benign. Review status: criteria provided, single submitter. Criteria: ACMG Guidelines, 2015. Collection method: not provided. Allele origin: germline. Inheritance: Autosomal recessive inheritance. Affected: yes.

Natera, Inc.
Classification: Benign for ACAD9 deficiency. Last evaluated: 2019-11-20. Review status: no assertion criteria provided. Collection method: clinical testing. Allele origin: germline. Not counted in ClinVar's aggregate classification.

Mayo Clinic Laboratories, Mayo Clinic
Classification: Benign. Last evaluated: 2016-02-19. Review status: no assertion criteria provided. Collection method: clinical testing. Allele origin: unknown. Not counted in ClinVar's aggregate classification.

NM_014049.5(ACAD9):c.1476C>T (p.Pro492=)

Gene: ACAD9 (acyl-CoA dehydrogenase family member 9; plus strand). Cytogenetic location: 3q21.3.
Variant type: single nucleotide variant.
Coding change: c.1476C>T on transcript NM_014049.5 (MANE Select); coding-DNA position 1476, C replaced by T.
Protein change: p.Pro492=; no amino-acid change (proline 492 retained).
Molecular consequence: synonymous variant. On other transcripts: non-coding transcript variant (1).
Genome position (GRCh38, 1-based): chr3:128,909,090, C>T. VCF-style: chr3-128909090-C-T. GRCh37 (hg19) VCF-style: chr3-128627933-C-T.
Identifiers: ClinVar variation 343203 (VCV000343203.27), dbSNP rs876755, ClinGen allele CA2601556.